The following is an entry in ClinVar:

NM_000352.6(ABCC8):c.1032C>G (p.Tyr344Ter)

Gene: ABCC8 (ATP binding cassette subfamily C member 8; minus strand). Cytogenetic location: 11p15.1.
Variant type: single nucleotide variant.
Coding change: c.1032C>G on transcript NM_000352.6 (MANE Select); coding-DNA position 1032, C replaced by G.
Protein change: p.Tyr344Ter; replaces tyrosine 344 with a stop codon.
Molecular consequence: nonsense. On other transcripts: non-coding transcript variant (1).
Genome position (GRCh38, 1-based): chr11:17,453,263, G>C on the plus strand (C>G on the coding strand, the complement: ABCC8 is on the minus strand). VCF-style: chr11-17453263-G-C. GRCh37 (hg19) VCF-style: chr11-17474810-G-C.
Other names: c.1032C>G, p.Tyr344Ter (NM_001287174.3, NM_001351295.2); c.1029C>G, p.Tyr343Ter (NM_001351296.2, NM_001351297.2); short protein forms Y343*, Y344*.
Identifiers: ClinVar variation 3905766 (VCV003905766.10).

ClinVar aggregate classification (germline): Pathogenic (1 of 4 stars; one submission).

Submission:

CeGaT Center for Human Genetics Tuebingen
Classification: Pathogenic. Last evaluated: 2025-05-01. Review status: criteria provided, single submitter. Criteria: CeGaT Center For Human Genetics Tuebingen Variant Classification Criteria Version 2. Collection method: clinical testing. Allele origin: germline. Affected: yes. Observed: 1 variant allele.
Comment: ABCC8: PVS1, PM2, PS4:Supporting